The following is an entry in ClinVar:

NM_001089.3(ABCA3):c.1982G>A (p.Arg661Gln)

Gene: ABCA3 (ATP binding cassette subfamily A member 3; minus strand). Cytogenetic location: 16p13.3.
Variant type: single nucleotide variant.
Coding change: c.1982G>A on transcript NM_001089.3 (MANE Select); coding-DNA position 1982, G replaced by A.
Protein change: p.Arg661Gln; replaces arginine 661 with glutamine.
Molecular consequence: missense variant.
Genome position (GRCh38, 1-based): chr16:2,297,836, C>T on the plus strand (G>A on the coding strand, the complement: ABCA3 is on the minus strand). VCF-style: chr16-2297836-C-T. GRCh37 (hg19) VCF-style: chr16-2347837-C-T.
Other names: short protein forms R661Q.
Identifiers: ClinVar variation 4848915 (VCV004848915.2).

ClinVar aggregate classification (germline): Uncertain significance. Review status: criteria provided, multiple submitters, no conflicts (2 of 4 stars). 2 submissions from 2 submitters: Uncertain significance (2). Last evaluated 2026-04-03.

gnomAD v4.1: 44 of 1,613,644 alleles (0.0027%); highest among the groups gnomAD compares: South Asian, 0.016%; no homozygotes.

Submissions (2):

Women's Health and Genetics/Laboratory Corporation of America, LabCorp
Classification: Uncertain significance. Last evaluated: 2026-04-03. Review status: criteria provided, single submitter. Criteria: LabCorp Variant Classification Summary - May 2015. Collection method: clinical testing. Allele origin: germline.
Comment: Variant summary: ABCA3 c.1982G>A (p.Arg661Gln) results in a conservative amino acid change in the encoded protein sequence. Algorithms developed to predict the effect of missense changes on protein structure and function all suggest that this variant is likely to be tolerated. The variant allele was found at a frequency of 2e-05 in 251346 control chromosomes. The available data on variant occurrences in the general population are insufficient to allow any conclusion about variant significance. c.1982G>A has been observed in an unknown state in at least 1 individual(s) affected with severe respiratory distress associated with premature birth (example, Somaschini_2018), without strong evidence for causality. These report(s) do not provide unequivocal conclusions about association of the variant with Pulmonary surfactant metabolism dysfunction. To our knowledge, no experimental evidence demonstrating an impact on protein function has been reported. The following publication has been ascertained in the context of this evaluation (PMID: 29255193). No submitters have cited clinical-significance assessments for this variant to ClinVar. Based on the evidence outlined above, the variant was classified as uncertain significance.

Blueprint Genetics
Classification: Uncertain significance. Last evaluated: 2023-02-27. Review status: criteria provided, single submitter. Criteria: ACMG Guidelines, 2015. Collection method: clinical testing. Allele origin: germline.

Literature cited by the submitters: PubMed 29255193 (cited by Women's Health and Genetics/Laboratory Corporation of America, LabCorp).